The following is an entry in ClinVar:

ClinVar aggregate classification (germline): Pathogenic/Likely pathogenic. Review status: criteria provided, multiple submitters, no conflicts (2 of 4 stars). 3 submissions from 3 submitters: Pathogenic (1); Likely pathogenic (1). 1 of the submissions does not count toward it. Last evaluated 2025-10-20.

Conditions:
Choroideremia. Also called: Chorioretinal scalloped atrophy. Identifiers: Orphanet 180, MedGen C0008525, MONDO:0010557, OMIM 303100, HP:0001139.

gnomAD v4.1: 1 of 1,181,056 alleles (0.000085%); no homozygotes.

Submissions (3):

3billion
Classification: Pathogenic for Choroideremia. Last evaluated: 2025-10-20. Review status: criteria provided, single submitter. Criteria: ACMG Guidelines, 2015. Collection method: clinical testing. Allele origin: germline. Affected: yes.
Comment: The variant is observed at an extremely low frequency in the gnomAD v4.1.0 dataset (total allele frequency: <0.001%). Predicted Consequence/Location: Missense variant. The majority of the known disease-causing variants of this gene are variants expected to result in premature termination of the protein. Functional studies provide strong evidence of the variant having a damaging effect on the gene or gene product (PMID: 21905166). In silico tool predictions suggest damaging effect of the variant on gene or gene product [REVEL: 0.75 (>=0.6, sensitivity 0.68 and specificity 0.92)]. The same nucleotide change resulting in the same amino acid change has been previously reported as pathogenic/likely pathogenic with strong evidence (ClinVar ID: VCV000039809 /PMID: 21905166 /3billion dataset). The variant has been reported to co-segregate with the disease in at least 3 similarly affected relatives/individuals in the same family or similarly affected unrelated families (PMID: 21905166). Therefore, this variant is classified as Pathogenic according to the recommendation of ACMG/AMP guideline.

Natera, Inc.
Classification: Likely pathogenic for Choroideremia. Last evaluated: 2025-08-29. Review status: criteria provided, single submitter. Criteria: Natera Variant Classification Schema (03/2026). Collection method: clinical testing. Allele origin: germline.
Comment: The c.1520A>G variant in CHM is a missense variant predicted to cause substitution of histidine to arginine at amino acid 507. This variant is rare in the general population with a frequency below the threshold expected for the associated phenotype(s). This variant has been observed in affected individual(s) with monoallelic occurrence (heterozygous/hemizygous) (PMID: 21905166, 31499530, 31928275, 38219857). This variant has been observed to segregate in affected family members (PMID: 21905166). Functional studies show that this variant may disrupt protein function (PMID: 21905166). Computational prediction algorithms indicate this variant is likely to affect gene or protein function. Given the available evidence, this variant is classified as Likely Pathogenic.

OMIM
Classification: Pathogenic for CHOROIDEREMIA. Last evaluated: 2011-12-01. Review status: no assertion criteria provided. Collection method: literature only. Allele origin: germline. Not counted in ClinVar's aggregate classification.

Literature cited by the submitters: PubMed 21905166 (cited by 3 submitters); PubMed 31499530 (cited by Natera, Inc.); PubMed 31928275 (cited by Natera, Inc.); PubMed 38219857 (cited by Natera, Inc.).

NM_000390.4(CHM):c.1520A>G (p.His507Arg)

Gene: CHM (CHM Rab escort protein; minus strand). Cytogenetic location: Xq21.2.
Variant type: single nucleotide variant.
Coding change: c.1520A>G on transcript NM_000390.4 (MANE Select); coding-DNA position 1520, A replaced by G.
Protein change: p.His507Arg; replaces histidine 507 with arginine.
Molecular consequence: missense variant.
Genome position (GRCh38, 1-based): chrX:85,879,054, T>C on the plus strand (A>G on the coding strand, the complement: CHM is on the minus strand). VCF-style: chrX-85879054-T-C. GRCh37 (hg19) VCF-style: chrX-85134059-T-C.
Other names: c.1076A>G, p.His359Arg (NM_001320959.1, NM_001362517.1, NM_001362518.2 and 1 more transcripts); c.1520A>G (NM_000390.3); short protein forms H507R, H359R.
Identifiers: ClinVar variation 39809 (VCV000039809.5), dbSNP rs397514603, ClinGen allele CA261228.